The following is an entry in ClinVar:

NM_012208.4(HARS2):c.1224A>G (p.Thr408=)

Gene: HARS2 (histidyl-tRNA synthetase 2, mitochondrial; plus strand). Cytogenetic location: 5q31.3.
Variant type: single nucleotide variant.
Coding change: c.1224A>G on transcript NM_012208.4 (MANE Select); coding-DNA position 1224, A replaced by G.
Protein change: p.Thr408=; no amino-acid change (threonine 408 retained).
Molecular consequence: synonymous variant.
Genome position (GRCh38, 1-based): chr5:140,697,595, A>G. VCF-style: chr5-140697595-A-G. GRCh37 (hg19) VCF-style: chr5-140077180-A-G.
Other names: c.1149A>G, p.Thr383= (NM_001278731.2); c.792A>G, p.Thr264= (NM_001278732.2); c.1242A>G, p.Thr414= (NM_001363535.2); c.1014A>G, p.Thr338= (NM_001363536.2).
Identifiers: ClinVar variation 227425 (VCV000227425.4), dbSNP rs755985809, ClinGen allele CA3444652.

ClinVar aggregate classification (germline): Likely benign (1 of 4 stars; one submission).

Allele frequency attached by ClinVar (database versions not stated): ExAC 0.00002; gnomAD exomes 0.00001.

Submission:

Laboratory for Molecular Medicine, Mass General Brigham Personalized Medicine
Classification: Likely benign. Last evaluated: 2015-04-17. Review status: criteria provided, single submitter. Criteria: LMM Criteria. Collection method: clinical testing. Allele origin: germline. Observed: 1 variant allele.
Comment: p.Thr408Thr in exon 11 of HARS2: This variant is not expected to have clinical s ignificance because it does not alter an amino acid residue and is not located w ithin the splice consensus sequence. It has been identified in 2/8652 of East As ian chromosomes by the Exome Aggregation Consortium (ExAC).